The following is an entry in ClinVar:

NM_002471.4(MYH6):c.5153T>A (p.Leu1718Gln)

Genes: MYH6 (myosin heavy chain 6; minus strand), LOC126861896 (BRD4-independent group 4 enhancer GRCh37_chr14:23854904-23856103; plus strand). Cytogenetic location: 14q11.2.
Variant type: single nucleotide variant.
Coding change: c.5153T>A on transcript NM_002471.4 (MANE Select); coding-DNA position 5153, T replaced by A.
Protein change: p.Leu1718Gln; replaces leucine 1718 with glutamine.
Molecular consequence: missense variant.
Genome position (GRCh38, 1-based): chr14:23,385,938, A>T on the plus strand (T>A on the coding strand, the complement: MYH6 is on the minus strand). VCF-style: chr14-23385938-A-T. GRCh37 (hg19) VCF-style: chr14-23855147-A-T.
Other names: short protein forms L1718Q.
Identifiers: ClinVar variation 2587183 (VCV002587183.2), dbSNP rs2502141042, ClinGen allele CA388989030.
Genomic context (GRCh38, chr14:23,385,938, plus strand): 5'-TGGGCTCTGCACTCAGTAGGTTTCCACAAGGTGGCTCCTGACCCCCTCACCTGGGAATGC[A>T]GCAGCTGCACCCGCTCGCTGGTCTCAATCAGCTCCTGCTCCGCCAGCTTCCGGGACCGCT-3'
Protein context (NP_002462.2, residues 1708-1728): LIETSERVQL[Leu1718Gln]HSQNTSLINQ

ClinVar aggregate classification (germline): Uncertain significance (1 of 4 stars; one submission).

Conditions:
Cardiovascular phenotype. Identifiers: MedGen CN230736.

Submission:

Ambry Genetics
Classification: Uncertain significance for Cardiovascular phenotype. Last evaluated: 2023-09-06. Review status: criteria provided, single submitter. Criteria: Ambry Variant Classification Scheme 2023. Collection method: clinical testing. Allele origin: germline.
Comment: The p.L1718Q variant (also known as c.5153T>A), located in coding exon 32 of the MYH6 gene, results from a T to A substitution at nucleotide position 5153. The leucine at codon 1718 is replaced by glutamine, an amino acid with dissimilar properties. This amino acid position is conserved. In addition, this alteration is predicted to be deleterious by in silico analysis. Since supporting evidence is limited at this time, the clinical significance of this alteration remains unclear.